The following is an entry in ClinVar:

NM_144997.7(FLCN):c.1126T>C (p.Trp376Arg)

Gene: FLCN (folliculin; minus strand). Cytogenetic location: 17p11.2.
Variant type: single nucleotide variant.
Coding change: c.1126T>C on transcript NM_144997.7 (MANE Select); coding-DNA position 1126, T replaced by C.
Protein change: p.Trp376Arg; replaces tryptophan 376 with arginine.
Molecular consequence: missense variant.
Genome position (GRCh38, 1-based): chr17:17,217,119, A>G on the plus strand (T>C on the coding strand, the complement: FLCN is on the minus strand). VCF-style: chr17-17217119-A-G. GRCh37 (hg19) VCF-style: chr17-17120433-A-G.
Other names: p.Trp376Arg; c.1180T>C, p.Trp394Arg (NM_001353229.2); c.1126T>C, p.Trp376Arg (NM_001353230.2, NM_001353231.2); short protein forms W376R, W394R.
Identifiers: ClinVar variation 2972839 (VCV002972839.5), dbSNP rs2544173037, ClinGen allele CA398532274.

ClinVar aggregate classification (germline): Uncertain significance. Review status: criteria provided, multiple submitters, no conflicts (2 of 4 stars). 3 submissions from 3 submitters: Uncertain significance (3). Last evaluated 2025-09-27.

Conditions:
Birt-Hogg-Dube syndrome. Also called: Birt Hogg Dubé syndrome. Identifiers: Orphanet 122, MedGen C0346010, MONDO:0800444.
Hereditary cancer-predisposing syndrome. Also called: Tumor predisposition; Hereditary neoplastic syndrome; Neoplastic Syndromes, Hereditary; Hereditary Cancer Syndrome. Identifiers: Orphanet 140162, MedGen C0027672, MeSH D009386, MONDO:0015356.

Submissions (3):

Labcorp Genetics (formerly Invitae), Labcorp
Classification: Uncertain significance for Birt-Hogg-Dube syndrome. Last evaluated: 2025-09-27. Review status: criteria provided, single submitter. Criteria: Invitae Variant Classification Sherloc (09022015). Collection method: clinical testing. Allele origin: germline.
Comment: This sequence change replaces tryptophan, which is neutral and slightly polar, with arginine, which is basic and polar, at codon 376 of the FLCN protein (p.Trp376Arg). This variant is not present in population databases (gnomAD no frequency). This missense change has been observed in individual(s) with clinical features of Birt-Hogg-Dubé syndrome (PMID: 31958439; internal data). ClinVar contains an entry for this variant (Variation ID: 2972839). Invitae Evidence Modeling of protein sequence and biophysical properties (such as structural, functional, and spatial information, amino acid conservation, physicochemical variation, residue mobility, and thermodynamic stability) indicates that this missense variant is not expected to disrupt FLCN protein function with a negative predictive value of 80%. In summary, the available evidence is currently insufficient to determine the role of this variant in disease. Therefore, it has been classified as a Variant of Uncertain Significance.

Ambry Genetics
Classification: Uncertain significance for Hereditary cancer-predisposing syndrome. Last evaluated: 2025-06-23. Review status: criteria provided, single submitter. Criteria: Ambry Variant Classification Scheme 2023. Collection method: clinical testing. Allele origin: germline.
Comment: The p.W376R variant (also known as c.1126T>C), located in coding exon 7 of the FLCN gene, results from a T to C substitution at nucleotide position 1126. The tryptophan at codon 376 is replaced by arginine, an amino acid with dissimilar properties. This amino acid position is highly conserved in available vertebrate species. In addition, this alteration is predicted to be deleterious by in silico analysis. Based on the available evidence, the clinical significance of this variant remains unclear.

Mayo Clinic Laboratories, Mayo Clinic
Classification: Uncertain significance. Last evaluated: 2024-01-30. Review status: criteria provided, single submitter. Criteria: ACMG Guidelines, 2015. Collection method: clinical testing. Allele origin: germline. Observed: 1 variant allele.
Comment: PP3, PM2_moderate

Literature cited by the submitters: PubMed 31958439 (cited by Labcorp Genetics (formerly Invitae), Labcorp and Mayo Clinic Laboratories, Mayo Clinic).